The following is an entry in ClinVar:

ClinVar aggregate classification (germline): Conflicting classifications of pathogenicity. Review status: criteria provided, conflicting classifications (1 of 4 stars). 2 submissions from 2 submitters: Uncertain significance (1); Likely benign (1). Last evaluated 2025-05-11.

Conditions:
Baller-Gerold syndrome (BGS). Also called: CRANIOSYNOSTOSIS WITH RADIAL DEFECTS. Identifiers: Orphanet 1225, MedGen C0265308, MONDO:0009039, OMIM 218600.
Inborn genetic diseases. Identifiers: MedGen C0950123, MeSH D030342.

Allele frequency attached by ClinVar (database versions not stated): gnomAD exomes below 0.00001.
gnomAD v4.1: 1 of 1,609,960 alleles (0.000062%); highest among the groups gnomAD compares: African/African-American, 0.0013%; no homozygotes.

Submissions (2):

Ambry Genetics
Classification: Likely benign for Inborn genetic diseases. Last evaluated: 2025-05-11. Review status: criteria provided, single submitter. Criteria: Ambry Variant Classification Scheme 2023. Collection method: clinical testing. Allele origin: germline.

Labcorp Genetics (formerly Invitae), Labcorp
Classification: Uncertain significance for Baller-Gerold syndrome. Last evaluated: 2021-03-09. Review status: criteria provided, single submitter. Criteria: Invitae Variant Classification Sherloc (09022015). Collection method: clinical testing. Allele origin: germline.
Comment: In summary, the available evidence is currently insufficient to determine the role of this variant in disease. Therefore, it has been classified as a Variant of Uncertain Significance. Experimental studies and prediction algorithms are not available or were not evaluated, and the functional significance of this variant is currently unknown. This variant has not been reported in the literature in individuals with RECQL4-related conditions. This variant is not present in population databases (ExAC no frequency). This sequence change replaces serine with asparagine at codon 256 of the RECQL4 protein (p.Ser256Asn). The serine residue is weakly conserved and there is a small physicochemical difference between serine and asparagine.

NM_004260.4(RECQL4):c.767G>A (p.Ser256Asn)

Gene: RECQL4 (RecQ like helicase 4; minus strand). Cytogenetic location: 8q24.3.
Variant type: single nucleotide variant.
Coding change: c.767G>A on transcript NM_004260.4 (MANE Select); coding-DNA position 767, G replaced by A.
Protein change: p.Ser256Asn; replaces serine 256 with asparagine.
Molecular consequence: missense variant.
Genome position (GRCh38, 1-based): chr8:144,516,352, C>T on the plus strand (G>A on the coding strand, the complement: RECQL4 is on the minus strand). VCF-style: chr8-144516352-C-T. GRCh37 (hg19) VCF-style: chr8-145741736-C-T.
Other names: c.767G>A (NM_004260.3); short protein forms S256N.
Identifiers: ClinVar variation 1413324 (VCV001413324.7), dbSNP rs2130722622, ClinGen allele CA372689329.